The following is an entry in ClinVar:

NM_014053.4(FLVCR1):c.821T>C (p.Ile274Thr)

Gene: FLVCR1 (FLVCR choline and heme transporter 1; plus strand). Cytogenetic location: 1q32.3.
Variant type: single nucleotide variant.
Coding change: c.821T>C on transcript NM_014053.4 (MANE Select); coding-DNA position 821, T replaced by C.
Protein change: p.Ile274Thr; replaces isoleucine 274 with threonine.
Molecular consequence: missense variant.
Genome position (GRCh38, 1-based): chr1:212,863,807, T>C. VCF-style: chr1-212863807-T-C. GRCh37 (hg19) VCF-style: chr1-213037149-T-C.
Other names: short protein forms I274T.
Identifiers: ClinVar variation 2115245 (VCV002115245.4), dbSNP rs760628858, ClinGen allele CA344790059.

ClinVar aggregate classification (germline): Uncertain significance (1 of 4 stars; one submission).

Allele frequency attached by ClinVar (database versions not stated): TOPMed below 0.00001.

Submission:

Labcorp Genetics (formerly Invitae), Labcorp
Classification: Uncertain significance. Last evaluated: 2022-03-20. Review status: criteria provided, single submitter. Criteria: Invitae Variant Classification Sherloc (09022015). Collection method: clinical testing. Allele origin: germline.
Comment: In summary, the available evidence is currently insufficient to determine the role of this variant in disease. Therefore, it has been classified as a Variant of Uncertain Significance. Algorithms developed to predict the effect of missense changes on protein structure and function are either unavailable or do not agree on the potential impact of this missense change (SIFT: "Deleterious"; PolyPhen-2: "Benign"; Align-GVGD: "Class C65"). This variant has not been reported in the literature in individuals affected with FLVCR1-related conditions. This variant is not present in population databases (gnomAD no frequency). This sequence change replaces isoleucine, which is neutral and non-polar, with threonine, which is neutral and polar, at codon 274 of the FLVCR1 protein (p.Ile274Thr).